The following is an entry in ClinVar:

NM_001165963.4(SCN1A):c.4844C>T (p.Ser1615Phe)

Genes: SCN1A (sodium voltage-gated channel alpha subunit 1; minus strand), LOC102724058 (uncharacterized LOC102724058; plus strand). Cytogenetic location: 2q24.3.
Variant type: single nucleotide variant.
Coding change: c.4844C>T on transcript NM_001165963.4 (MANE Select); coding-DNA position 4844, C replaced by T.
Protein change: p.Ser1615Phe; replaces serine 1615 with phenylalanine.
Molecular consequence: missense variant. On other transcripts: non-coding transcript variant (1).
Genome position (GRCh38, 1-based): chr2:165,994,154, G>A on the plus strand (C>T on the coding strand, the complement: SCN1A is on the minus strand). VCF-style: chr2-165994154-G-A. GRCh37 (hg19) VCF-style: chr2-166850664-G-A.
Other names: c.4760C>T, p.Ser1587Phe (NM_001165964.3, NM_001353957.2, NM_001353958.2); c.4844C>T, p.Ser1615Phe (NM_001202435.3, NM_001353948.2); c.4811C>T, p.Ser1604Phe (NM_001353949.2, NM_001353950.2, NM_001353951.2 and 2 more transcripts); c.4808C>T, p.Ser1603Phe (NM_001353954.2, NM_001353955.2); c.4757C>T, p.Ser1586Phe (NM_001353960.2); c.2402C>T, p.Ser801Phe (NM_001353961.2); short protein forms S1603F, S1615F, S1586F, S1604F, S1587F, S801F.
Identifiers: ClinVar variation 1524711 (VCV001524711.9), dbSNP rs2105447276, ClinGen allele CA349071250.

ClinVar aggregate classification (germline): Uncertain significance (1 of 4 stars; one submission).

Conditions:
Early-infantile DEE. Also called: Ohtahara syndrome; Early infantile epileptic encephalopathy; Early infantile epileptic encephalopathy with suppression bursts. Identifiers: Orphanet 1934, MedGen C0393706, MONDO:0800491.

Submission:

Labcorp Genetics (formerly Invitae), Labcorp
Classification: Uncertain significance for Early-infantile DEE. Last evaluated: 2020-11-16. Review status: criteria provided, single submitter. Criteria: Invitae Variant Classification Sherloc (09022015). Collection method: clinical testing. Allele origin: germline.
Comment: This variant has not been reported in the literature in individuals with SCN1A-related conditions. Advanced modeling of protein sequence and biophysical properties (such as structural, functional, and spatial information, amino acid conservation, physicochemical variation, residue mobility, and thermodynamic stability) performed at Invitae indicates that this missense variant is expected to disrupt SCN1A protein function. In summary, the available evidence is currently insufficient to determine the role of this variant in disease. Therefore, it has been classified as a Variant of Uncertain Significance. This variant is not present in population databases (ExAC no frequency). This sequence change replaces serine with phenylalanine at codon 1615 of the SCN1A protein (p.Ser1615Phe). The serine residue is highly conserved and there is a large physicochemical difference between serine and phenylalanine.